The following is an entry in ClinVar:

ClinVar aggregate classification (germline): Pathogenic. Review status: reviewed by expert panel (3 of 4 stars). 2 submissions from 2 submitters: Pathogenic (1). 1 of the submissions does not count toward it. Last evaluated 2016-09-08.

Conditions:
Breast-ovarian cancer, familial, susceptibility to, 2 (BROVCA2). Also called: BRCA2 Hereditary Breast and Ovarian Cancer. Identifiers: Orphanet 145, MedGen C2675520, MONDO:0012933, OMIM 612555. Disease mechanism: loss of function.

Submissions (2):

Evidence-based Network for the Interpretation of Germline Mutant Alleles (ENIGMA)
Classification: Pathogenic for Breast-ovarian cancer, familial, susceptibility to, 2. Last evaluated: 2016-09-08. Review status: reviewed by expert panel. Criteria: ENIGMA BRCA1/2 Classification Criteria (2015). Collection method: curation. Allele origin: germline.
Comment: Variant allele predicted to encode a truncated non-functional protein.

Breast Cancer Information Core (BIC) (BRCA2)
Classification: Pathogenic for Breast-ovarian cancer, familial 2. Last evaluated: 2003-12-23. Review status: no assertion criteria provided. Collection method: clinical testing. Allele origin: germline. Affected: yes. Observed: 1 variant allele. Not counted in ClinVar's aggregate classification.

NM_000059.4(BRCA2):c.6103del (p.Thr2035fs)

Gene: BRCA2 (BRCA2 DNA repair associated; plus strand). Cytogenetic location: 13q13.1.
Variant type: Deletion.
Coding change: c.6103del on transcript NM_000059.4 (MANE Select); coding-DNA position 6103, one base deleted (A; older notation c.6103delA).
Protein change: p.Thr2035fs; shifts the reading frame from threonine 2035.
Molecular consequence: frameshift variant.
Genome position (GRCh38, 1-based): chr13:32,340,458, A deleted. VCF-style (leftmost placement, unchanged base first): chr13-32340457-TA-T. GRCh37 (hg19) VCF-style: chr13-32914594-TA-T.
Other names: 6331delA; c.6103delA (NM_000059.3); short protein forms T2035fs.
Identifiers: ClinVar variation 52013 (VCV000052013.2), dbSNP rs80359559, ClinGen allele CA023657.